The following is an entry in ClinVar:

NM_001290043.2(TAP2):c.1840C>A (p.Arg614Ser)

Gene: TAP2 (transporter 2, ATP binding cassette subfamily B member; minus strand). Cytogenetic location: 6p21.32.
Variant type: single nucleotide variant.
Coding change: c.1840C>A on transcript NM_001290043.2 (MANE Select); coding-DNA position 1840, C replaced by A.
Protein change: p.Arg614Ser; replaces arginine 614 with serine.
Molecular consequence: missense variant.
Genome position (GRCh38, 1-based): chr6:32,829,492, G>T on the plus strand (C>A on the coding strand, the complement: TAP2 is on the minus strand). VCF-style: chr6-32829492-G-T. GRCh37 (hg19) VCF-style: chr6-32797269-G-T.
Other names: c.1840C>A, p.Arg614Ser (NM_018833.3); short protein forms R614S.
Identifiers: ClinVar variation 4847863 (VCV004847863.1).

ClinVar aggregate classification (germline): Uncertain significance (1 of 4 stars; one submission).

Submission:

Women's Health and Genetics/Laboratory Corporation of America, LabCorp
Classification: Uncertain significance. Last evaluated: 2026-02-13. Review status: criteria provided, single submitter. Criteria: LabCorp Variant Classification Summary - May 2015. Collection method: clinical testing. Allele origin: germline.
Comment: Variant summary: TAP2 c.1840C>A (p.Arg614Ser) results in a non-conservative amino acid change in the encoded protein sequence. Algorithms developed to predict the effect of missense changes on protein structure and function are either unavailable or do not agree on the potential impact of this missense change. The variant was absent in 251312 control chromosomes. The available data on variant occurrences in the general population are insufficient to allow any conclusion about variant significance. To our knowledge, no occurrence of c.1840C>A in individuals affected with TAP2-related conditions and no experimental evidence demonstrating its impact on protein function have been reported. No submitters have cited clinical-significance assessments for this variant to ClinVar. Based on the evidence outlined above, the variant was classified as uncertain significance.